The following is an entry in ClinVar:

ClinVar aggregate classification (germline): Likely benign (1 of 4 stars; one submission).

Conditions:
APC-related disorder. Also called: APC-related condition.

gnomAD v4.1: 2 of 152,348 alleles (0.0013%); highest among the groups gnomAD compares: African/African-American, 0.0048%; no homozygotes.

Submission:

PreventionGenetics, part of Exact Sciences
Classification: Likely benign for APC-related condition. Last evaluated: 2026-02-24. Review status: criteria provided, single submitter. Criteria: ACMG Guidelines, 2015. Collection method: clinical testing. Allele origin: germline.
Comment: This variant is classified as likely benign based on ACMG/AMP sequence variant interpretation guidelines (Richards et al. 2015 PMID: 25741868, with internal and published modifications).

NM_001127511.3(APC):c.166-28913A>G

Gene: APC (APC regulator of Wnt signaling pathway; plus strand). Cytogenetic location: 5q22.2.
Variant type: single nucleotide variant.
Coding change: c.166-28913A>G on transcript NM_001127511.3; 28913 bases into the intron before coding-DNA position 166, A replaced by G.
Molecular consequence: intron variant.
Genome position (GRCh38, 1-based): chr5:112,737,413, A>G. VCF-style: chr5-112737413-A-G. GRCh37 (hg19) VCF-style: chr5-112073110-A-G.
Other names: c.-1053-17460A>G (NM_001407470.1, NM_001407472.1); c.-18-17460A>G (NM_001407447.1, NM_001354895.2, NM_001407456.1 and 7 more transcripts); c.166-28913A>G (NM_001407446.1, NM_001354897.2, NM_001354902.2); c.-42-28913A>G (NM_001407453.1).
Identifiers: ClinVar variation 4986950 (VCV004986950.1).